The following is an entry in ClinVar:

ClinVar aggregate classification (germline): Likely benign. Review status: criteria provided, multiple submitters, no conflicts (2 of 4 stars). 3 submissions from 3 submitters: Likely benign (2). 1 of the submissions does not count toward it. Last evaluated 2025-06-12.

Conditions:
Tatton-Brown-Rahman overgrowth syndrome. Also called: Tall stature-intellectual disability-facial dysmorphism syndrome; Tatton-Brown-Rahman syndrome. Identifiers: Orphanet 404443, MedGen C4014545, MONDO:0014382, OMIM 615879.
DNMT3A-related disorder. Also called: DNMT3A-related disorders; DNMT3A-related condition.
Inborn genetic diseases. Identifiers: MedGen C0950123, MeSH D030342.

Submissions (3):

Labcorp Genetics (formerly Invitae), Labcorp
Classification: Likely benign for Tatton-Brown-Rahman overgrowth syndrome. Last evaluated: 2025-06-12. Review status: criteria provided, single submitter. Criteria: Invitae Variant Classification Sherloc (09022015). Collection method: clinical testing. Allele origin: germline.

Ambry Genetics
Classification: Likely benign for Inborn genetic diseases. Last evaluated: 2024-11-20. Review status: criteria provided, single submitter. Criteria: Ambry Variant Classification Scheme 2023. Collection method: clinical testing. Allele origin: germline.

PreventionGenetics, part of Exact Sciences
Classification: Likely benign for DNMT3A-related condition. Last evaluated: 2021-12-15. Review status: no assertion criteria provided. Collection method: clinical testing. Allele origin: germline. Not counted in ClinVar's aggregate classification.
Comment: This variant is classified as likely benign based on ACMG/AMP sequence variant interpretation guidelines (Richards et al. 2015 PMID: 25741868, with internal and published modifications).

NM_022552.5(DNMT3A):c.1140G>C (p.Ala380=)

Gene: DNMT3A (DNA methyltransferase 3 alpha; minus strand). Cytogenetic location: 2p23.3.
Variant type: single nucleotide variant.
Coding change: c.1140G>C on transcript NM_022552.5 (MANE Select); coding-DNA position 1140, G replaced by C.
Protein change: p.Ala380=; no amino-acid change (alanine 380 retained).
Molecular consequence: synonymous variant. On other transcripts: non-coding transcript variant (1).
Genome position (GRCh38, 1-based): chr2:25,246,759, C>G on the plus strand (G>C on the coding strand, the complement: DNMT3A is on the minus strand). VCF-style: chr2-25246759-C-G. GRCh37 (hg19) VCF-style: chr2-25469628-C-G.
Other names: c.684G>C, p.Ala228= (NM_001320893.1); c.471G>C, p.Ala157= (NM_001375819.1); c.573G>C, p.Ala191= (NM_153759.3); c.1140G>C, p.Ala380= (NM_175629.2); c.1140G>C (NM_022552.3).
Identifiers: ClinVar variation 1954872 (VCV001954872.8), dbSNP rs77345627, ClinGen allele CA1556125.